The following is an entry in ClinVar:

NM_000179.3(MSH6):c.260+3A>C

Genes: MSH6 (mutS homolog 6; plus strand), LOC129933707 (ATAC-STARR-seq lymphoblastoid silent region 11468; plus strand). Cytogenetic location: 2p16.3.
Variant type: single nucleotide variant.
Coding change: c.260+3A>C on transcript NM_000179.3 (MANE Select); 3 bases into the intron after coding-DNA position 260, A replaced by C.
Molecular consequence: intron variant.
Genome position (GRCh38, 1-based): chr2:47,783,496, A>C. VCF-style: chr2-47783496-A-C. GRCh37 (hg19) VCF-style: chr2-48010635-A-C.
Other names: c.-477+3A>C (NM_001281493.2); c.237+26A>C (NM_001281492.2).
Identifiers: ClinVar variation 568535 (VCV000568535.12), dbSNP rs1553408474, ClinGen allele CA891843160.

ClinVar aggregate classification (germline): Uncertain significance. Review status: criteria provided, multiple submitters, no conflicts (2 of 4 stars). 2 submissions from 2 submitters: Uncertain significance (2). Last evaluated 2024-03-26.

Conditions:
Hereditary cancer-predisposing syndrome. Also called: Neoplastic Syndromes, Hereditary; Tumor predisposition; Hereditary neoplastic syndrome; Hereditary Cancer Syndrome. Identifiers: Orphanet 140162, MedGen C0027672, MeSH D009386, MONDO:0015356.
Hereditary nonpolyposis colorectal neoplasms. Identifiers: MedGen C0009405, MeSH D003123.

Allele frequency attached by ClinVar (database versions not stated): gnomAD 0.00001.

Submissions (2):

Ambry Genetics
Classification: Uncertain significance for Hereditary cancer-predisposing syndrome. Last evaluated: 2024-03-26. Review status: criteria provided, single submitter. Criteria: Ambry Variant Classification Scheme 2023. Collection method: clinical testing. Allele origin: germline.
Comment: The c.260+3A>C intronic variant results from an A to C substitution 3 nucleotides after coding exon 1 in the MSH6 gene. This nucleotide position is well conserved on limited sequence alignment. In silico splice site analysis predicts that this alteration may result in the creation or strengthening of a novel splice donor site; however, direct evidence is insufficient at this time (Ambry internal data). Since supporting evidence is limited at this time, the clinical significance of this alteration remains unclear.

Labcorp Genetics (formerly Invitae), Labcorp
Classification: Uncertain significance for Hereditary nonpolyposis colorectal neoplasms. Last evaluated: 2023-09-06. Review status: criteria provided, single submitter. Criteria: Invitae Variant Classification Sherloc (09022015). Collection method: clinical testing. Allele origin: germline.
Comment: This variant has not been reported in the literature in individuals affected with MSH6-related conditions. In summary, the available evidence is currently insufficient to determine the role of this variant in disease. Therefore, it has been classified as a Variant of Uncertain Significance. Variants that disrupt the consensus splice site are a relatively common cause of aberrant splicing (PMID: 17576681, 9536098). Algorithms developed to predict the effect of sequence changes on RNA splicing suggest that this variant may disrupt the consensus splice site. ClinVar contains an entry for this variant (Variation ID: 568535). This variant is not present in population databases (gnomAD no frequency). This sequence change falls in intron 1 of the MSH6 gene. It does not directly change the encoded amino acid sequence of the MSH6 protein. It affects a nucleotide within the consensus splice site.

Literature cited by the submitters: PubMed 17576681 (cited by Labcorp Genetics (formerly Invitae), Labcorp); PubMed 9536098 (cited by Labcorp Genetics (formerly Invitae), Labcorp).